The following is an entry in ClinVar:

NM_201384.3(PLEC):c.7717C>T (p.Leu2573=)

Gene: PLEC (plectin; minus strand). Cytogenetic location: 8q24.3.
Variant type: single nucleotide variant.
Coding change: c.7717C>T on transcript NM_201384.3 (MANE Select); coding-DNA position 7717, C replaced by T.
Protein change: p.Leu2573=; no amino-acid change (leucine 2573 retained).
Molecular consequence: synonymous variant.
Genome position (GRCh38, 1-based): chr8:143,922,104, G>A on the plus strand (C>T on the coding strand, the complement: PLEC is on the minus strand). VCF-style: chr8-143922104-G-A. GRCh37 (hg19) VCF-style: chr8-144996272-G-A.
Other names: c.7798C>T, p.Leu2600= (NM_000445.5); c.4417C>T, p.Leu1473= (NM_001410941.1); c.7675C>T, p.Leu2559= (NM_201378.4); c.7651C>T, p.Leu2551= (NM_201379.3); c.8128C>T, p.Leu2710= (NM_201380.4); c.7621C>T, p.Leu2541= (NM_201381.3); c.7717C>T, p.Leu2573= (NM_201382.4); c.7729C>T, p.Leu2577= (NM_201383.3); and 1 more.
Identifiers: ClinVar variation 2931902 (VCV002931902.4), dbSNP rs1564000724, ClinGen allele CA463533553.

ClinVar aggregate classification (germline): Likely benign. Review status: criteria provided, single submitter (1 of 4 stars). 2 submissions from 2 submitters: Likely benign (1). 1 of the submissions does not count toward it. Last evaluated 2025-06-27.

Conditions:
Epidermolysis bullosa simplex 5C, with pyloric atresia (EBS5C). Also called: Epidermolysis bullosa simplex with pyloric atresia; PLEC-Related Epidermolysis Bullosa with Pyloric Atresia; PLEC1-Related Epidermolysis Bullosa with Pyloric Atresia. Identifiers: Orphanet 158684, MedGen C2677349, MONDO:0012807, OMIM 612138.
Epidermolysis bullosa simplex with nail dystrophy (EBS5D). Identifiers: MedGen C4225309, MONDO:0014661, OMIM 616487.
Epidermolysis bullosa simplex 5B, with muscular dystrophy (EBS5B). Also called: EPIDERMOLYSIS BULLOSA SIMPLEX AND LIMB-GIRDLE MUSCULAR DYSTROPHY; Epidermolysis bullosa simplex with muscular dystrophy. Identifiers: Orphanet 257, MedGen C2931072, MONDO:0009181, OMIM 226670.
Epidermolysis bullosa simplex, Ogna type (EBS5A). Also called: EPIDERMOLYSIS BULLOSA SIMPLEX 5A, OGNA TYPE; Pidermolysis bullosa simplex 5A, Ogna type. Identifiers: Orphanet 79401, MedGen C0432317, MONDO:0007555, OMIM 131950.
Autosomal recessive limb-girdle muscular dystrophy type 2Q (LGMDR17). Also called: MUSCULAR DYSTROPHY, LIMB-GIRDLE, AUTOSOMAL RECESSIVE 17. Identifiers: Orphanet 254361, MedGen C3150989, MONDO:0013390, OMIM 613723.
PLEC-related disorder. Also called: PLEC-related disorders; PLEC-related condition.

Allele frequency attached by ClinVar (database versions not stated): gnomAD 0.00001; gnomAD exomes 0.00001.
gnomAD v4.1: 14 of 1,557,178 alleles (0.0009%); highest among the groups gnomAD compares: Non-Finnish European, 0.0012%; no homozygotes.

Submissions (2):

Labcorp Genetics (formerly Invitae), Labcorp
Classification: Likely benign for Autosomal recessive limb-girdle muscular dystrophy type 2Q; Epidermolysis bullosa simplex, Ogna type; Epidermolysis bullosa simplex with nail dystrophy; Epidermolysis bullosa simplex 5C, with pyloric atresia; Epidermolysis bullosa simplex 5B, with muscular dystrophy. Last evaluated: 2025-06-27. Review status: criteria provided, single submitter. Criteria: Invitae Variant Classification Sherloc (09022015). Collection method: clinical testing. Allele origin: germline.

PreventionGenetics, part of Exact Sciences
Classification: Likely benign for PLEC-related condition. Last evaluated: 2024-05-27. Review status: no assertion criteria provided. Collection method: clinical testing. Allele origin: germline. Not counted in ClinVar's aggregate classification.
Comment: This variant is classified as likely benign based on ACMG/AMP sequence variant interpretation guidelines (Richards et al. 2015 PMID: 25741868, with internal and published modifications).